The following is an entry in ClinVar:

NM_001041.4(SI):c.3424T>A (p.Tyr1142Asn)

Gene: SI (sucrase-isomaltase; minus strand). Cytogenetic location: 3q26.1.
Variant type: single nucleotide variant.
Coding change: c.3424T>A on transcript NM_001041.4 (MANE Select); coding-DNA position 3424, T replaced by A.
Protein change: p.Tyr1142Asn; replaces tyrosine 1142 with asparagine.
Molecular consequence: missense variant.
Genome position (GRCh38, 1-based): chr3:165,018,066, A>T on the plus strand (T>A on the coding strand, the complement: SI is on the minus strand). VCF-style: chr3-165018066-A-T. GRCh37 (hg19) VCF-style: chr3-164735854-A-T.
Other names: short protein forms Y1142N.
Identifiers: ClinVar variation 1403226 (VCV001403226.6), dbSNP rs990077130, ClinGen allele CA86511444.

ClinVar aggregate classification (germline): Uncertain significance (1 of 4 stars; one submission).

Allele frequency attached by ClinVar (database versions not stated): gnomAD exomes below 0.00001; TOPMed below 0.00001.
gnomAD v4.1: 5 of 1,554,780 alleles (0.00032%); highest among the groups gnomAD compares: Middle Eastern, 0.017%; no homozygotes.

Submission:

Labcorp Genetics (formerly Invitae), Labcorp
Classification: Uncertain significance. Last evaluated: 2022-03-13. Review status: criteria provided, single submitter. Criteria: Invitae Variant Classification Sherloc (09022015). Collection method: clinical testing. Allele origin: germline.
Comment: In summary, the available evidence is currently insufficient to determine the role of this variant in disease. Therefore, it has been classified as a Variant of Uncertain Significance. Algorithms developed to predict the effect of missense changes on protein structure and function are either unavailable or do not agree on the potential impact of this missense change (SIFT: "Deleterious"; PolyPhen-2: "Possibly Damaging"; Align-GVGD: "Class C0"). This variant has not been reported in the literature in individuals affected with SI-related conditions. This variant is present in population databases (no rsID available, gnomAD 0.0009%). This sequence change replaces tyrosine, which is neutral and polar, with asparagine, which is neutral and polar, at codon 1142 of the SI protein (p.Tyr1142Asn).